The following is an entry in ClinVar:

NM_004924.6(ACTN4):c.2374G>A (p.Ala792Thr)

Gene: ACTN4 (actinin alpha 4; plus strand). Cytogenetic location: 19q13.2.
Variant type: single nucleotide variant.
Coding change: c.2374G>A on transcript NM_004924.6 (MANE Select); coding-DNA position 2374, G replaced by A.
Protein change: p.Ala792Thr; replaces alanine 792 with threonine.
Molecular consequence: missense variant. On other transcripts: intron variant (1).
Genome position (GRCh38, 1-based): chr19:38,727,982, G>A. VCF-style: chr19-38727982-G-A. GRCh37 (hg19) VCF-style: chr19-39218622-G-A.
Other names: c.2338-334G>A (NM_001322033.2); short protein forms A792T.
Identifiers: ClinVar variation 1011064 (VCV001011064.7), dbSNP rs141835608, ClinGen allele CA308123467.

ClinVar aggregate classification (germline): Uncertain significance (1 of 4 stars; one submission).

Allele frequency attached by ClinVar (database versions not stated): ESP Exome Variant Server 0.00008.

Submission:

Labcorp Genetics (formerly Invitae), Labcorp
Classification: Uncertain significance. Last evaluated: 2020-11-04. Review status: criteria provided, single submitter. Criteria: Invitae Variant Classification Sherloc (09022015). Collection method: clinical testing. Allele origin: germline.
Comment: This variant has not been reported in the literature in individuals with ACTN4-related conditions. In summary, the available evidence is currently insufficient to determine the role of this variant in disease. Therefore, it has been classified as a Variant of Uncertain Significance. Algorithms developed to predict the effect of missense changes on protein structure and function are either unavailable or do not agree on the potential impact of this missense change (SIFT: "Not Available"; PolyPhen-2: "Probably Damaging"; Align-GVGD: "Not Available"). This variant is not present in population databases (ExAC no frequency). This sequence change replaces alanine with threonine at codon 792 of the ACTN4 protein (p.Ala792Thr). The alanine residue is highly conserved and there is a small physicochemical difference between alanine and threonine.